The following is an entry in ClinVar:

ClinVar aggregate classification (germline): Uncertain significance (1 of 4 stars; one submission).

Conditions:
Huntington disease-like 1 (HDL1). Also called: HUNTINGTON-LIKE NEURODEGENERATIVE DISORDER 1; HUNTINGTON-LIKE NEURODEGENERATIVE DISORDER, AUTOSOMAL DOMINANT; PRION DISEASE, EARLY-ONSET, WITH PROMINENT PSYCHIATRIC FEATURES. Identifiers: Orphanet 157941, MedGen C1864112, MONDO:0011299, OMIM 603218.

Allele frequency attached by ClinVar (database versions not stated): gnomAD exomes below 0.00001 and 0.00001; ExAC 0.00001; TOPMed 0.00001; gnomAD 0.00002; ESP Exome Variant Server 0.00008.

Submission:

Labcorp Genetics (formerly Invitae), Labcorp
Classification: Uncertain significance for Huntington disease-like 1. Last evaluated: 2022-10-14. Review status: criteria provided, single submitter. Criteria: Invitae Variant Classification Sherloc (09022015). Collection method: clinical testing. Allele origin: germline.
Comment: This variant has not been reported in the literature in individuals affected with PRNP-related conditions. In summary, the available evidence is currently insufficient to determine the role of this variant in disease. Therefore, it has been classified as a Variant of Uncertain Significance. Advanced modeling of protein sequence and biophysical properties (such as structural, functional, and spatial information, amino acid conservation, physicochemical variation, residue mobility, and thermodynamic stability) performed at Invitae indicates that this missense variant is not expected to disrupt PRNP protein function. ClinVar contains an entry for this variant (Variation ID: 569467). This variant is present in population databases (rs144302267, gnomAD 0.01%). This sequence change replaces methionine, which is neutral and non-polar, with isoleucine, which is neutral and non-polar, at codon 154 of the PRNP protein (p.Met154Ile).

NM_000311.5(PRNP):c.462G>A (p.Met154Ile)

Gene: PRNP (prion protein (Kanno blood group); plus strand). Cytogenetic location: 20p13.
Variant type: single nucleotide variant.
Coding change: c.462G>A on transcript NM_000311.5 (MANE Select); coding-DNA position 462, G replaced by A.
Protein change: p.Met154Ile; replaces methionine 154 with isoleucine.
Molecular consequence: missense variant. On other transcripts: 3 prime UTR variant (1).
Genome position (GRCh38, 1-based): chr20:4,699,682, G>A. VCF-style: chr20-4699682-G-A. GRCh37 (hg19) VCF-style: chr20-4680328-G-A.
Other names: c.462G>A, p.Met154Ile (NM_001080121.3, NM_001080122.3, NM_001080123.3 and 1 more transcripts); c.*151G>A (NM_001271561.3); short protein forms M154I.
Identifiers: ClinVar variation 569467 (VCV000569467.8), dbSNP rs144302267, ClinGen allele CA9752081.